The following is an entry in ClinVar:

NM_013447.4(ADGRE2):c.1591-9G>A

Gene: ADGRE2 (adhesion G protein-coupled receptor E2; minus strand). Cytogenetic location: 19p13.12.
Variant type: single nucleotide variant.
Coding change: c.1591-9G>A on transcript NM_013447.4 (MANE Select); 9 bases into the intron before coding-DNA position 1591, G replaced by A.
Molecular consequence: intron variant.
Genome position (GRCh38, 1-based): chr19:14,752,535, C>T on the plus strand (G>A on the coding strand, the complement: ADGRE2 is on the minus strand). VCF-style: chr19-14752535-C-T. GRCh37 (hg19) VCF-style: chr19-14863347-C-T.
Other names: c.1312-9G>A (NM_152917.2); c.1444-9G>A (NM_152916.2); c.1417-9G>A (NM_001271052.1).
Identifiers: ClinVar variation 2960150 (VCV002960150.3), dbSNP rs754636856, ClinGen allele CA9257660.

ClinVar aggregate classification (germline): Uncertain significance (1 of 4 stars; one submission).

Allele frequency attached by ClinVar (database versions not stated): gnomAD 0.00001; gnomAD exomes 0.00002; ExAC 0.00003; TOPMed below 0.00001.
gnomAD v4.1: 28 of 1,612,844 alleles (0.0017%); highest among the groups gnomAD compares: Non-Finnish European, 0.0022%; no homozygotes.

Submission:

Labcorp Genetics (formerly Invitae), Labcorp
Classification: Uncertain significance. Last evaluated: 2025-09-30. Review status: criteria provided, single submitter. Criteria: Invitae Variant Classification Sherloc (09022015). Collection method: clinical testing. Allele origin: germline.
Comment: This sequence change falls in intron 14 of the ADGRE2 gene. It does not directly change the encoded amino acid sequence of the ADGRE2 protein. This variant is present in population databases (rs754636856, gnomAD 0.003%). This variant has not been reported in the literature in individuals affected with ADGRE2-related conditions. ClinVar contains an entry for this variant (Variation ID: 2960150). Algorithms developed to predict the effect of sequence changes on RNA splicing suggest that this variant may disrupt the consensus splice site. In summary, the available evidence is currently insufficient to determine the role of this variant in disease. Therefore, it has been classified as a Variant of Uncertain Significance.